The following is an entry in ClinVar:

NM_015331.3(NCSTN):c.1877G>A (p.Arg626Gln)

Gene: NCSTN (nicastrin; plus strand). Cytogenetic location: 1q23.2.
Variant type: single nucleotide variant.
Coding change: c.1877G>A on transcript NM_015331.3 (MANE Select); coding-DNA position 1877, G replaced by A.
Protein change: p.Arg626Gln; replaces arginine 626 with glutamine.
Molecular consequence: missense variant. On other transcripts: intron variant (1).
Genome position (GRCh38, 1-based): chr1:160,357,123, G>A. VCF-style: chr1-160357123-G-A. GRCh37 (hg19) VCF-style: chr1-160326913-G-A.
Other names: c.1794+369G>A (NM_001349729.2); c.1817G>A, p.Arg606Gln (NM_001290184.2); c.1463G>A, p.Arg488Gln (NM_001290186.2); short protein forms R488Q, R606Q, R626Q.
Identifiers: ClinVar variation 2984657 (VCV002984657.3), dbSNP rs754862807, ClinGen allele CA1199130.

ClinVar aggregate classification (germline): Uncertain significance (1 of 4 stars; one submission).

Allele frequency attached by ClinVar (database versions not stated): ExAC 0.00001; gnomAD exomes 0.00001; TOPMed 0.00001.
gnomAD v4.1: 9 of 1,614,138 alleles (0.00056%); highest among the groups gnomAD compares: Admixed American, 0.0067%; no homozygotes.

Submission:

Labcorp Genetics (formerly Invitae), Labcorp
Classification: Uncertain significance. Last evaluated: 2023-04-22. Review status: criteria provided, single submitter. Criteria: Invitae Variant Classification Sherloc (09022015). Collection method: clinical testing. Allele origin: germline.
Comment: In summary, the available evidence is currently insufficient to determine the role of this variant in disease. Therefore, it has been classified as a Variant of Uncertain Significance. Advanced modeling of protein sequence and biophysical properties (such as structural, functional, and spatial information, amino acid conservation, physicochemical variation, residue mobility, and thermodynamic stability) performed at Invitae indicates that this missense variant is not expected to disrupt NCSTN protein function. This variant has not been reported in the literature in individuals affected with NCSTN-related conditions. This variant is present in population databases (rs754862807, gnomAD 0.009%). This sequence change replaces arginine, which is basic and polar, with glutamine, which is neutral and polar, at codon 626 of the NCSTN protein (p.Arg626Gln).